The following is an entry in ClinVar:

ClinVar aggregate classification (germline): Uncertain significance (1 of 4 stars; one submission).

Submission:

Labcorp Genetics (formerly Invitae), Labcorp
Classification: Uncertain significance. Last evaluated: 2024-12-23. Review status: criteria provided, single submitter. Criteria: Invitae Variant Classification Sherloc (09022015). Collection method: clinical testing. Allele origin: germline.
Comment: This sequence change falls in intron 36 of the CACNA2D4 gene. It does not directly change the encoded amino acid sequence of the CACNA2D4 protein. It affects a nucleotide within the consensus splice site. This variant is present in population databases (rs780138839, gnomAD 0.01%). This variant has not been reported in the literature in individuals affected with CACNA2D4-related conditions. ClinVar contains an entry for this variant (Variation ID: 1042503). Variants that disrupt the consensus splice site are a relatively common cause of aberrant splicing (PMID: 17576681, 9536098). Algorithms developed to predict the effect of sequence changes on RNA splicing suggest that this variant may disrupt the consensus splice site. In summary, the available evidence is currently insufficient to determine the role of this variant in disease. Therefore, it has been classified as a Variant of Uncertain Significance.

Literature cited by the submitters: PubMed 17576681; PubMed 9536098.

NM_172364.5(CACNA2D4):c.3226+6del

Gene: CACNA2D4 (calcium voltage-gated channel auxiliary subunit alpha2delta 4; minus strand). Cytogenetic location: 12p13.33.
Variant type: Deletion.
Coding change: c.3226+6del on transcript NM_172364.5 (MANE Select); 6 bases into the intron after coding-DNA position 3226, one base deleted (C; older notation c.3226+6delC).
Molecular consequence: intron variant.
Genome position (GRCh38, 1-based): chr12:1,795,662, G deleted on the plus strand (C on the coding strand, the reverse complement: CACNA2D4 is on the minus strand); the first of 2 consecutive G bases (chr12:1,795,662-1,795,663); deleting either gives the same sequence. VCF-style (leftmost placement, unchanged base first): chr12-1795661-AG-A. GRCh37 (hg19) VCF-style: chr12-1904827-AG-A.
Identifiers: ClinVar variation 1042503 (VCV001042503.6), dbSNP rs780138839, ClinGen allele CA6386031.